The following is an entry in ClinVar:

NM_006231.4(POLE):c.1192A>C (p.Lys398Gln)

Gene: POLE (DNA polymerase epsilon, catalytic subunit; minus strand). Cytogenetic location: 12q24.33.
Variant type: single nucleotide variant.
Coding change: c.1192A>C on transcript NM_006231.4 (MANE Select); coding-DNA position 1192, A replaced by C.
Protein change: p.Lys398Gln; replaces lysine 398 with glutamine.
Molecular consequence: missense variant.
Genome position (GRCh38, 1-based): chr12:132,675,432, T>G on the plus strand (A>C on the coding strand, the complement: POLE is on the minus strand). VCF-style: chr12-132675432-T-G. GRCh37 (hg19) VCF-style: chr12-133252018-T-G.
Other names: short protein forms K398Q.
Identifiers: ClinVar variation 2447953 (VCV002447953.2), dbSNP rs2542157908, ClinGen allele CA387360823.

ClinVar aggregate classification (germline): Uncertain significance (1 of 4 stars; one submission).

Conditions:
Hereditary cancer-predisposing syndrome. Also called: Neoplastic Syndromes, Hereditary; Hereditary Cancer Syndrome; Tumor predisposition; Hereditary neoplastic syndrome. Identifiers: Orphanet 140162, MedGen C0027672, MeSH D009386, MONDO:0015356.

Submission:

Ambry Genetics
Classification: Uncertain significance for Hereditary cancer-predisposing syndrome. Last evaluated: 2023-03-12. Review status: criteria provided, single submitter. Criteria: Ambry Variant Classification Scheme 2023. Collection method: clinical testing. Allele origin: germline.
Comment: The p.K398Q variant (also known as c.1192A>C), located in coding exon 12 of the POLE gene, results from an A to C substitution at nucleotide position 1192. The lysine at codon 398 is replaced by glutamine, an amino acid with similar properties. This amino acid position is conserved. In addition, this alteration is predicted to be tolerated by in silico analysis. Since supporting evidence is limited at this time, the clinical significance of this alteration remains unclear.